The following is an entry in ClinVar:

NM_020436.5(SALL4):c.49G>C (p.Asp17His)

Gene: SALL4 (spalt like transcription factor 4; minus strand). Cytogenetic location: 20q13.2.
Variant type: single nucleotide variant.
Coding change: c.49G>C on transcript NM_020436.5 (MANE Select); coding-DNA position 49, G replaced by C.
Protein change: p.Asp17His; replaces aspartic acid 17 with histidine.
Molecular consequence: missense variant.
Genome position (GRCh38, 1-based): chr20:51,802,360, C>G on the plus strand (G>C on the coding strand, the complement: SALL4 is on the minus strand). VCF-style: chr20-51802360-C-G. GRCh37 (hg19) VCF-style: chr20-50418899-C-G.
Other names: c.49G>C, p.Asp17His (NM_001318031.2); short protein forms D17H.
Identifiers: ClinVar variation 4759575 (VCV004759575.1).

ClinVar aggregate classification (germline): Uncertain significance (1 of 4 stars; one submission).

Conditions:
Duane-radial ray syndrome (DRRS). Also called: Duane-Radial Ray Syndrome (DRRS) / Okihiro Syndrome; ACRORENOOCULAR SYNDROME; DR SYNDROME; DUANE ANOMALY WITH RADIAL RAY ABNORMALITIES AND DEAFNESS; Okihiro Syndrome; Duane-Radial Ray Syndrome/Okihiro Syndrome. Identifiers: Orphanet 93293, Orphanet 959, MedGen C1623209, MONDO:0011812, OMIM 607323. Disease mechanism: gain of function.

Submission:

Labcorp Genetics (formerly Invitae), Labcorp
Classification: Uncertain significance for Duane-radial ray syndrome. Last evaluated: 2025-07-25. Review status: criteria provided, single submitter. Criteria: Invitae Variant Classification Sherloc (09022015). Collection method: clinical testing. Allele origin: germline.
Comment: This sequence change replaces aspartic acid, which is acidic and polar, with histidine, which is basic and polar, at codon 17 of the SALL4 protein (p.Asp17His). This variant is not present in population databases (gnomAD no frequency). This variant has not been reported in the literature in individuals affected with SALL4-related conditions. An algorithm developed to predict the effect of missense changes on protein structure and function (PolyPhen-2) suggests that this variant is likely to be disruptive. In summary, the available evidence is currently insufficient to determine the role of this variant in disease. Therefore, it has been classified as a Variant of Uncertain Significance.